The following is an entry in ClinVar:

NM_000487.6(ARSA):c.329C>T (p.Ala110Val)

Gene: ARSA (arylsulfatase A; minus strand). Cytogenetic location: 22q13.33.
Variant type: single nucleotide variant.
Coding change: c.329C>T on transcript NM_000487.6 (MANE Select); coding-DNA position 329, C replaced by T.
Protein change: p.Ala110Val; replaces alanine 110 with valine.
Molecular consequence: missense variant.
Genome position (GRCh38, 1-based): chr22:50,627,302, G>A on the plus strand (C>T on the coding strand, the complement: ARSA is on the minus strand). VCF-style: chr22-50627302-G-A. GRCh37 (hg19) VCF-style: chr22-51065730-G-A.
Other names: c.329C>T, p.Ala110Val (NM_001085425.3, NM_001085426.3, NM_001085427.3); c.71C>T, p.Ala24Val (NM_001085428.3, NM_001362782.2); short protein forms A110V, A24V.
Identifiers: ClinVar variation 498442 (VCV000498442.14), dbSNP rs1191014984, ClinGen allele CA412181138.

ClinVar aggregate classification (germline): Uncertain significance. Review status: criteria provided, multiple submitters, no conflicts (2 of 4 stars). 2 submissions from 2 submitters: Uncertain significance (2). Last evaluated 2019-10-25.

Conditions:
Metachromatic leukodystrophy (MLD). Also called: Cerebral sclerosis diffuse metachromatic form; METACHROMATIC LEUKOENCEPHALOPATHY; SULFATIDE LIPIDOSIS; ARSA DEFICIENCY; CEREBROSIDE SULFATASE DEFICIENCY; Arylsulfatase A Deficiency. Identifiers: Orphanet 512, MedGen C0023522, MONDO:0018868, OMIM 250100.

Submissions (2):

Labcorp Genetics (formerly Invitae), Labcorp
Classification: Uncertain significance for Metachromatic leukodystrophy. Last evaluated: 2019-10-25. Review status: criteria provided, single submitter. Criteria: Invitae Variant Classification Sherloc (09022015). Collection method: clinical testing. Allele origin: germline.
Comment: This sequence change replaces alanine with valine at codon 110 of the ARSA protein (p.Ala110Val). The alanine residue is highly conserved and there is a small physicochemical difference between alanine and valine. This variant is not present in population databases (ExAC no frequency). This variant has not been reported in the literature in individuals with ARSA-related conditions. ClinVar contains an entry for this variant (Variation ID: 498442). Algorithms developed to predict the effect of missense changes on protein structure and function are either unavailable or do not agree on the potential impact of this missense change (SIFT: "Deleterious"; PolyPhen-2: "Probably Damaging"; Align-GVGD: "Class C0"). In summary, the available evidence is currently insufficient to determine the role of this variant in disease. Therefore, it has been classified as a Variant of Uncertain Significance.

Eurofins Ntd Llc (ga)
Classification: Uncertain significance. Last evaluated: 2016-11-23. Review status: criteria provided, single submitter. Criteria: EGL Classification Definitions 2015. Collection method: clinical testing. Allele origin: germline. Observed: 1 variant allele, 1 heterozygote.